The following is an entry in ClinVar:

NM_001999.4(FBN2):c.338-89C>A

Gene: FBN2 (fibrillin 2; minus strand). Cytogenetic location: 5q23.3.
Variant type: single nucleotide variant.
Coding change: c.338-89C>A on transcript NM_001999.4 (MANE Select); 89 bases into the intron before coding-DNA position 338, C replaced by A.
Molecular consequence: intron variant.
Genome position (GRCh38, 1-based): chr5:128,530,782, G>T on the plus strand (C>A on the coding strand, the complement: FBN2 is on the minus strand). VCF-style: chr5-128530782-G-T. GRCh37 (hg19) VCF-style: chr5-127866475-G-T.
Identifiers: ClinVar variation 675618 (VCV000675618.1), dbSNP rs58297481, ClinGen allele CA127053101.

ClinVar aggregate classification (germline): Benign (1 of 4 stars; one submission).

Allele frequency attached by ClinVar (database versions not stated): gnomAD 0.02635; 1000 Genomes Project 0.02656; 1000 Genomes Project 30x 0.02811; TOPMed 0.02843.
gnomAD v4.1: 5,726 of 878,904 alleles (0.65%); highest among the groups gnomAD compares: African/African-American, 8.9%; 241 homozygotes.

Submission:

GeneDx
Classification: Benign. Last evaluated: 2018-06-16. Review status: criteria provided, single submitter. Criteria: GeneDx Variant Classification (06012015). Collection method: clinical testing. Allele origin: germline. Affected: yes.
Comment: This variant is considered likely benign or benign based on one or more of the following criteria: it is a conservative change, it occurs at a poorly conserved position in the protein, it is predicted to be benign by multiple in silico algorithms, and/or has population frequency not consistent with disease.